The following is an entry in ClinVar:

ClinVar aggregate classification (germline): Uncertain significance. Review status: criteria provided, multiple submitters, no conflicts (2 of 4 stars). 2 submissions from 2 submitters: Uncertain significance (2). Last evaluated 2025-09-12.

Conditions:
Hereditary cancer-predisposing syndrome. Also called: Tumor predisposition; Hereditary Cancer Syndrome; Neoplastic Syndromes, Hereditary; Hereditary neoplastic syndrome. Identifiers: Orphanet 140162, MedGen C0027672, MeSH D009386, MONDO:0015356.
Neuroblastoma, susceptibility to, 3. Also called: ALK-Related Neuroblastic Tumor Susceptibility. Identifiers: Orphanet 635, MedGen C2751681, MONDO:0013083, OMIM 613014.

Allele frequency attached by ClinVar (database versions not stated): TOPMed below 0.00001.
gnomAD v4.1: 5 of 1,614,150 alleles (0.00031%); highest among the groups gnomAD compares: Non-Finnish European, 0.00034%; no homozygotes.

Submissions (2):

Labcorp Genetics (formerly Invitae), Labcorp
Classification: Uncertain significance for Neuroblastoma, susceptibility to, 3. Last evaluated: 2025-09-12. Review status: criteria provided, single submitter. Criteria: Invitae Variant Classification Sherloc (09022015). Collection method: clinical testing. Allele origin: germline.
Comment: This sequence change replaces glycine, which is neutral and non-polar, with arginine, which is basic and polar, at codon 492 of the ALK protein (p.Gly492Arg). This variant is not present in population databases (gnomAD no frequency). This variant has not been reported in the literature in individuals affected with ALK-related conditions. ClinVar contains an entry for this variant (Variation ID: 972566). An algorithm developed to predict the effect of missense changes on protein structure and function (PolyPhen-2) suggests that this variant is likely to be disruptive. In summary, the available evidence is currently insufficient to determine the role of this variant in disease. Therefore, it has been classified as a Variant of Uncertain Significance.

Ambry Genetics
Classification: Uncertain significance for Hereditary cancer-predisposing syndrome. Last evaluated: 2025-09-10. Review status: criteria provided, single submitter. Criteria: Ambry Variant Classification Scheme 2023. Collection method: clinical testing. Allele origin: germline.
Comment: The p.G492R variant (also known as c.1474G>C), located in coding exon 7 of the ALK gene, results from a G to C substitution at nucleotide position 1474. The glycine at codon 492 is replaced by arginine, an amino acid with dissimilar properties. This amino acid position is conserved. In addition, this alteration is predicted to be tolerated by in silico analysis. Based on the available evidence, the clinical significance of this variant remains unclear.

NM_004304.5(ALK):c.1474G>C (p.Gly492Arg)

Gene: ALK (ALK receptor tyrosine kinase; minus strand). Cytogenetic location: 2p23.2.
Variant type: single nucleotide variant.
Coding change: c.1474G>C on transcript NM_004304.5 (MANE Select); coding-DNA position 1474, G replaced by C.
Protein change: p.Gly492Arg; replaces glycine 492 with arginine.
Molecular consequence: missense variant.
Genome position (GRCh38, 1-based): chr2:29,320,823, C>G on the plus strand (G>C on the coding strand, the complement: ALK is on the minus strand). VCF-style: chr2-29320823-C-G. GRCh37 (hg19) VCF-style: chr2-29543689-C-G.
Other names: short protein forms G492R.
Identifiers: ClinVar variation 972566 (VCV000972566.9), dbSNP rs1667014493, ClinGen allele CA346472464.